The following is an entry in ClinVar:

NM_001099922.3(ALG13):c.383+1029A>G

Gene: ALG13 (ALG13 UDP-N-acetylglucosaminyltransferase subunit; plus strand). Cytogenetic location: Xq23.
Variant type: single nucleotide variant.
Coding change: c.383+1029A>G on transcript NM_001099922.3 (MANE Select); 1029 bases into the intron after coding-DNA position 383, A replaced by G.
Molecular consequence: intron variant.
Genome position (GRCh38, 1-based): chrX:111,686,132, A>G. VCF-style: chrX-111686132-A-G. GRCh37 (hg19) VCF-style: chrX-110929360-A-G.
Other names: c.71+1029A>G (NM_001257237.2, NM_001324293.1, NM_001257234.2 and 6 more transcripts); c.149+1029A>G (NM_001257231.2, NM_001257241.3); c.383+1029A>G (NM_001324292.2, NM_018466.6); c.389+1029A>G (NM_001324290.2); c.384-5A>G (NM_001168385.3); c.324+1029A>G (NM_001039210.5).
Identifiers: ClinVar variation 382136 (VCV000382136.4), dbSNP rs139631003, ClinGen allele CA10493497.

ClinVar aggregate classification (germline): Benign/Likely benign. Review status: criteria provided, multiple submitters, no conflicts (2 of 4 stars). 4 submissions from 4 submitters: Benign (3); Likely benign (1). Last evaluated 2024-11-13.

Conditions:
Developmental and epileptic encephalopathy, 36 (DEE36). Also called: Congenital disorder of glycosylation, type Is; Epileptic encephalopathy, early infantile, 36; ALG13-CDG. Identifiers: Orphanet 324422, MedGen C4317295, MONDO:0010472, OMIM 300884.

Allele frequency attached by ClinVar (database versions not stated): gnomAD exomes 0.00134 and 0.00059; ExAC 0.00316; gnomAD 0.00591 and 0.00625; TOPMed 0.00638; 1000 Genomes Project 0.00662; 1000 Genomes Project 30x 0.00749; ESP Exome Variant Server 0.00750.
gnomAD v4.1: 1,262 of 1,116,505 alleles (0.11%); highest among the groups gnomAD compares: African/African-American, 1.9%; 5 homozygotes.

Submissions (4):

Blueprint Genetics
Classification: Likely benign. Last evaluated: 2024-11-13. Review status: criteria provided, single submitter. Criteria: ACMG Guidelines, 2015. Collection method: clinical testing. Allele origin: germline.

ARUP Laboratories, Molecular Genetics and Genomics, ARUP Laboratories
Classification: Benign for Developmental and epileptic encephalopathy, 36. Last evaluated: 2024-06-28. Review status: criteria provided, single submitter. Criteria: ARUP Molecular Germline Variant Investigation Process 2024. Collection method: clinical testing. Allele origin: germline.

Athena Diagnostics
Classification: Benign. Last evaluated: 2017-12-11. Review status: criteria provided, single submitter. Criteria: Athena Diagnostics Criteria. Collection method: clinical testing. Allele origin: germline.

GeneDx
Classification: Benign. Last evaluated: 2016-04-06. Review status: criteria provided, single submitter. Criteria: GeneDx Variant Classification (06012015). Collection method: clinical testing. Allele origin: germline. Affected: yes.
Comment: This variant is considered likely benign or benign based on one or more of the following criteria: it is a conservative change, it occurs at a poorly conserved position in the protein, it is predicted to be benign by multiple in silico algorithms, and/or has population frequency not consistent with disease.